The following is an entry in ClinVar:

NM_012123.4(MTO1):c.1082T>C (p.Met361Thr)

Gene: MTO1 (mitochondrial tRNA translation optimization 1; plus strand). Cytogenetic location: 6q13.
Variant type: single nucleotide variant.
Coding change: c.1082T>C on transcript NM_012123.4 (MANE Select); coding-DNA position 1082, T replaced by C.
Protein change: p.Met361Thr; replaces methionine 361 with threonine.
Molecular consequence: missense variant.
Genome position (GRCh38, 1-based): chr6:73,480,079, T>C. VCF-style: chr6-73480079-T-C. GRCh37 (hg19) VCF-style: chr6-74189802-T-C.
Other names: c.1082T>C, p.Met361Thr (NM_001123226.2, NM_133645.3); short protein forms M361T.
Identifiers: ClinVar variation 473195 (VCV000473195.17), dbSNP rs145658455, ClinGen allele CA3889518.

ClinVar aggregate classification (germline): Conflicting classifications of pathogenicity. Review status: criteria provided, conflicting classifications (1 of 4 stars). 5 submissions from 5 submitters: Uncertain significance (2); Likely benign (3). Last evaluated 2026-02-04.

Conditions:
MTO1-related disorder. Also called: MTO1-related condition.
Mitochondrial hypertrophic cardiomyopathy with lactic acidosis due to MTO1 deficiency. Also called: CARDIOMYOPATHY, INFANTILE HYPERTROPHIC MITOCHONDRIAL, AND LACTIC ACIDOSIS; Combined oxidative phosphorylation deficiency 10. Identifiers: Orphanet 314637, MedGen C4749921, MONDO:0013865, OMIM 614702.

Allele frequency attached by ClinVar (database versions not stated): gnomAD exomes 0.00019; ExAC 0.00022; gnomAD 0.00078 and 0.00086; TOPMed 0.00102; 1000 Genomes Project 0.00040; 1000 Genomes Project 30x 0.00047; ESP Exome Variant Server 0.00062.
gnomAD v4.1: 215 of 1,613,960 alleles (0.013%); highest among the groups gnomAD compares: African/African-American, 0.25%; no homozygotes.

Submissions (5):

Labcorp Genetics (formerly Invitae), Labcorp
Classification: Likely benign for Mitochondrial hypertrophic cardiomyopathy with lactic acidosis due to MTO1 deficiency. Last evaluated: 2026-02-04. Review status: criteria provided, single submitter. Criteria: Invitae Variant Classification Sherloc (09022015). Collection method: clinical testing. Allele origin: germline.

GeneDx
Classification: Uncertain significance. Last evaluated: 2026-02-03. Review status: criteria provided, single submitter. Criteria: GeneDx Variant Classification Process June 2021. Collection method: clinical testing. Allele origin: germline.
Comment: In silico analysis supports that this missense variant has a deleterious effect on protein structure/function; Has not been previously published as pathogenic or benign to our knowledge

PreventionGenetics, part of Exact Sciences
Classification: Likely benign for MTO1-related condition. Last evaluated: 2025-06-30. Review status: criteria provided, single submitter. Criteria: ACMG Guidelines, 2015. Collection method: clinical testing. Allele origin: germline.
Comment: This variant is classified as likely benign based on ACMG/AMP sequence variant interpretation guidelines (Richards et al. 2015 PMID: 25741868, with internal and published modifications).

Blueprint Genetics
Classification: Uncertain significance. Last evaluated: 2024-10-18. Review status: criteria provided, single submitter. Criteria: ACMG Guidelines, 2015. Collection method: clinical testing. Allele origin: germline.

Breakthrough Genomics
Classification: Likely benign. Review status: criteria provided, single submitter. Criteria: ACMG Guidelines, 2015. Collection method: not provided. Allele origin: germline. Inheritance: Autosomal recessive inheritance. Affected: yes.